The following is an entry in ClinVar:

NM_153252.5(BRWD3):c.3603G>A (p.Arg1201=)

Gene: BRWD3 (bromodomain and WD repeat domain containing 3; minus strand). Cytogenetic location: Xq21.1.
Variant type: single nucleotide variant.
Coding change: c.3603G>A on transcript NM_153252.5 (MANE Select); coding-DNA position 3603, G replaced by A.
Protein change: p.Arg1201=; no amino-acid change (arginine 1201 retained).
Molecular consequence: synonymous variant.
Genome position (GRCh38, 1-based): chrX:80,690,092, C>T on the plus strand (G>A on the coding strand, the complement: BRWD3 is on the minus strand). VCF-style: chrX-80690092-C-T. GRCh37 (hg19) VCF-style: chrX-79945591-C-T.
Identifiers: ClinVar variation 3900411 (VCV003900411.1).

ClinVar aggregate classification (germline): Uncertain significance (1 of 4 stars; one submission).

Submission:

GeneDx
Classification: Uncertain significance. Last evaluated: 2024-11-21. Review status: criteria provided, single submitter. Criteria: GeneDx Variant Classification Process June 2021. Collection method: clinical testing. Allele origin: germline. Affected: yes.
Comment: Not observed at significant frequency in large population cohorts (gnomAD); In silico analysis supports a deleterious effect on splicing; Has not been previously published as pathogenic or benign to our knowledge